The following is an entry in ClinVar:

NC_012920.1(MT-ND1):m.4094C>T

Gene: MT-ND1 (mitochondrially encoded NADH dehydrogenase 1; plus strand).
Variant type: single nucleotide variant.
Genome position: chrM-4094-C-T.
Identifiers: ClinVar variation 692423 (VCV000692423.1), dbSNP rs1603219299, ClinGen allele CA414774174.

ClinVar aggregate classification (germline): Uncertain significance (1 of 4 stars; one submission).

Conditions:
Leigh syndrome (NULS). Also called: Leigh's necrotizing encephalopathy; Leigh's disease; Leigh Syndrome (mtDNA deletion); Leigh Disease; Subacute necrotizing encephalopathy; Necrotizing encephalopathy infantile subacute of Leigh. Identifiers: Orphanet 506, MedGen C2931891, MONDO:0009723, OMIM 256000.

Submission:

Wong Mito Lab, Molecular and Human Genetics, Baylor College of Medicine
Classification: Uncertain significance for Leigh syndrome. Last evaluated: 2019-10-17. Review status: criteria provided, single submitter. Criteria: Modified ACMG Guidelines (Unpublished). Collection method: clinical testing. Allele origin: germline.
Comment: The NC_012920.1:m.4094C>T (YP_003024026.1:p.Thr263Ile) variant in MTND1 gene is interpretated to be a Uncertain Significance variant based on the modified ACMG guidelines (unpublished). This variant meets the following evidence codes: BP4, BP6